The following is an entry in ClinVar:

ClinVar aggregate classification (germline): Uncertain significance (1 of 4 stars; one submission).

Conditions:
MELAS syndrome (MELAS). Also called: Juvenile myopathy, encephalopathy, lactic acidosis, stroke. Identifiers: Orphanet 550, MedGen C0162671, MONDO:0010789, OMIM 540000.

Submission:

Wong Mito Lab, Molecular and Human Genetics, Baylor College of Medicine
Classification: Uncertain significance for MELAS syndrome. Last evaluated: 2019-07-12. Review status: criteria provided, single submitter. Criteria: Modified ACMG Guidelines (Unpublished). Collection method: clinical testing. Allele origin: germline.
Comment: The NC_012920.1:m.7568dupT variant in MT-TD gene is interpreted to be a Unknown Significance variant based on the modified ACMG guidelines (unpublished). This variant meets the following evidence codes reported in the guidelines: BP6

Literature cited by the submitters: PubMed 31965079.

NC_012920.1(MT-TD):m.7568dup

Gene: MT-TD (mitochondrially encoded tRNA aspartic acid; plus strand).
Variant type: Duplication.
Genome position: chrM-7567-C-CT.
Identifiers: ClinVar variation 690053 (VCV000690053.1), dbSNP rs1603221020, ClinGen allele CA915952045.
Genomic context (GRCh38, chrMT:7,567, plus strand): 5'-ACTTTTTCAAAAAGGTATTAGAAAAACCATTTCATAACTTTGTCAAAGTTAAATTATAGG[C>CT]TAAATCCTATATATCTTAATGGCACATGCAGCGCAAGTAGGTCTACAAGACGCTACTTCC-3'